The following is an entry in ClinVar:

ClinVar aggregate classification (germline): Uncertain significance (1 of 4 stars; one submission).

Conditions:
Inborn genetic diseases. Identifiers: MedGen C0950123, MeSH D030342.

Submission:

Ambry Genetics
Classification: Uncertain significance for Inborn genetic diseases. Last evaluated: 2025-05-31. Review status: criteria provided, single submitter. Criteria: Ambry Variant Classification Scheme 2023. Collection method: clinical testing. Allele origin: germline.
Comment: The p.Q1445H variant (also known as c.4335A>T), located in coding exon 1 of the SAMD9 gene, results from an A to T substitution at nucleotide position 4335. The glutamine at codon 1445 is replaced by histidine, an amino acid with highly similar properties. This amino acid position is conserved. In addition, this alteration is predicted to be tolerated by in silico analysis. Based on the available evidence, the clinical significance of this variant remains unclear.

NM_017654.4(SAMD9):c.4335A>T (p.Gln1445His)

Gene: SAMD9 (sterile alpha motif domain containing 9; minus strand). Cytogenetic location: 7q21.2.
Variant type: single nucleotide variant.
Coding change: c.4335A>T on transcript NM_017654.4 (MANE Select); coding-DNA position 4335, A replaced by T.
Protein change: p.Gln1445His; replaces glutamine 1445 with histidine.
Molecular consequence: missense variant.
Genome position (GRCh38, 1-based): chr7:93,101,763, T>A on the plus strand (A>T on the coding strand, the complement: SAMD9 is on the minus strand). VCF-style: chr7-93101763-T-A. GRCh37 (hg19) VCF-style: chr7-92731076-T-A.
Other names: c.4335A>T, p.Gln1445His (NM_001193307.2); short protein forms Q1445H.
Identifiers: ClinVar variation 3949685 (VCV003949685.1).